The following is an entry in ClinVar:

NM_001377229.1(DISP1):c.3830A>T (p.Tyr1277Phe)

Gene: DISP1 (dispatched RND transporter family member 1; plus strand). Cytogenetic location: 1q41.
Variant type: single nucleotide variant.
Coding change: c.3830A>T on transcript NM_001377229.1 (MANE Select); coding-DNA position 3830, A replaced by T.
Protein change: p.Tyr1277Phe; replaces tyrosine 1277 with phenylalanine.
Molecular consequence: missense variant.
Genome position (GRCh38, 1-based): chr1:223,005,227, A>T. VCF-style: chr1-223005227-A-T. GRCh37 (hg19) VCF-style: chr1-223178569-A-T.
Other names: c.3101A>T, p.Tyr1034Phe (NM_001350630.2); c.3830A>T, p.Tyr1277Phe (NM_001369594.1, NM_001377228.1, NM_032890.5); short protein forms Y1034F, Y1277F.
Identifiers: ClinVar variation 2908299 (VCV002908299.3), dbSNP rs565286472, ClinGen allele CA1409478.

ClinVar aggregate classification (germline): Uncertain significance (1 of 4 stars; one submission).

Allele frequency attached by ClinVar (database versions not stated): gnomAD exomes below 0.00001; ExAC 0.00001; TOPMed 0.00002; 1000 Genomes Project 0.00020; 1000 Genomes Project 30x 0.00031.
gnomAD v4.1: 2 of 1,614,140 alleles (0.00012%); highest among the groups gnomAD compares: Admixed American, 0.0017%; no homozygotes.

Submission:

Labcorp Genetics (formerly Invitae), Labcorp
Classification: Uncertain significance. Last evaluated: 2023-10-13. Review status: criteria provided, single submitter. Criteria: Invitae Variant Classification Sherloc (09022015). Collection method: clinical testing. Allele origin: germline.
Comment: This sequence change replaces tyrosine, which is neutral and polar, with phenylalanine, which is neutral and non-polar, at codon 1277 of the DISP1 protein (p.Tyr1277Phe). This variant is present in population databases (rs565286472, gnomAD 0.007%). This variant has not been reported in the literature in individuals affected with DISP1-related conditions. An algorithm developed to predict the effect of missense changes on protein structure and function (PolyPhen-2) suggests that this variant is likely to be tolerated. In summary, the available evidence is currently insufficient to determine the role of this variant in disease. Therefore, it has been classified as a Variant of Uncertain Significance.